The following is an entry in ClinVar:

NM_004839.4(HOMER2):c.163-8T>G

Gene: HOMER2 (homer scaffold protein 2; minus strand). Cytogenetic location: 15q25.2.
Variant type: single nucleotide variant.
Coding change: c.163-8T>G on transcript NM_004839.4 (MANE Select); 8 bases into the intron before coding-DNA position 163, T replaced by G.
Molecular consequence: intron variant.
Genome position (GRCh38, 1-based): chr15:82,875,412, A>C on the plus strand (T>G on the coding strand, the complement: HOMER2 is on the minus strand). VCF-style: chr15-82875412-A-C. GRCh37 (hg19) VCF-style: chr15-83544164-A-C.
Other names: c.163-8T>G (NM_004839.3, NM_199330.3).
Identifiers: ClinVar variation 2722303 (VCV002722303.4), dbSNP rs763848451, ClinGen allele CA7702247.
Genomic context (GRCh38, chr15:82,875,412, plus strand): 5'-TGTGACGTTTTGGTGAAGGTCATATTCGGTGTGATTGTGCTGTTTATGATCACCTGCAGA[A>C]AAACAGCCCAAAGAGTGAAAATTTAAATGTTGAATGAGACAAAGTCATTCCTTAGAAAGT-3'

ClinVar aggregate classification (germline): Conflicting classifications of pathogenicity. Review status: criteria provided, conflicting classifications (1 of 4 stars). 2 submissions from 2 submitters: Uncertain significance (1); Likely benign (1). Last evaluated 2026-09-02.

Conditions:
HOMER2-related disorder. Also called: HOMER2-related condition.

Allele frequency attached by ClinVar (database versions not stated): gnomAD exomes below 0.00001; ExAC 0.00001; TOPMed 0.00002.
gnomAD v4.1: 1 of 1,613,612 alleles (0.000062%); highest among the groups gnomAD compares: Admixed American, 0.0017%; no homozygotes.

Submissions (2):

PreventionGenetics, part of Exact Sciences
Classification: Uncertain significance for HOMER2-related condition. Last evaluated: 2026-09-02. Review status: criteria provided, single submitter. Criteria: ACMG Guidelines, 2015. Collection method: clinical testing. Allele origin: germline.
Comment: The HOMER2 c.163-8T>G variant is predicted to interfere with splicing. This variant is predicted to alter splicing based on available splicing prediction software (SpliceAI, Jaganathan et al. 2019. PubMed ID: 30661751). However, the use of computer prediction software is not equivalent to functional evidence. To our knowledge, this variant has not been reported in the literature. This variant is reported in 0.0029% of alleles in individuals of Latino descent in gnomAD. At this time, the clinical significance of this variant is uncertain due to the absence of conclusive functional and genetic evidence.

Labcorp Genetics (formerly Invitae), Labcorp
Classification: Likely benign. Last evaluated: 2023-12-24. Review status: criteria provided, single submitter. Criteria: Invitae Variant Classification Sherloc (09022015). Collection method: clinical testing. Allele origin: germline.